The following is an entry in ClinVar:

NM_001387690.1(KATNAL2):c.1504T>C (p.Leu502=)

Gene: KATNAL2 (katanin catalytic subunit A1 like 2; plus strand). Cytogenetic location: 18q21.1.
Variant type: single nucleotide variant.
Coding change: c.1504T>C on transcript NM_001387690.1 (MANE Select); coding-DNA position 1504, T replaced by C.
Protein change: p.Leu502=; no amino-acid change (leucine 502 retained).
Molecular consequence: synonymous variant. On other transcripts: non-coding transcript variant (1).
Genome position (GRCh38, 1-based): chr18:47,100,892, T>C. VCF-style: chr18-47100892-T-C. GRCh37 (hg19) VCF-style: chr18-44627263-T-C.
Other names: c.1582T>C, p.Leu528= (NM_001353899.1); c.1579T>C, p.Leu527= (NM_001353900.1); c.1171T>C, p.Leu391= (NM_001353903.1); c.1072T>C, p.Leu358= (NM_001353904.1); c.1504T>C, p.Leu502= (NM_001367621.1); c.1288T>C, p.Leu430= (NM_031303.3).
Identifiers: ClinVar variation 587899 (VCV000587899.15), dbSNP rs373628714, ClinGen allele CA8955392.

ClinVar aggregate classification (germline): Likely benign. Review status: criteria provided, multiple submitters, no conflicts (2 of 4 stars). 2 submissions from 2 submitters: Likely benign (2). Last evaluated 2025-05-01.

Allele frequency attached by ClinVar (database versions not stated): gnomAD 0.00004 and 0.00010; TOPMed 0.00005; ExAC 0.00013; 1000 Genomes Project 0.00020; gnomAD exomes 0.00021; 1000 Genomes Project 30x 0.00047.
gnomAD v4.1: 184 of 1,614,176 alleles (0.011%); highest among the groups gnomAD compares: South Asian, 0.13%; 1 homozygote.

Submissions (2):

CeGaT Center for Human Genetics Tuebingen
Classification: Likely benign. Last evaluated: 2025-05-01. Review status: criteria provided, single submitter. Criteria: CeGaT Center For Human Genetics Tuebingen Variant Classification Criteria Version 2. Collection method: clinical testing. Allele origin: germline. Affected: yes. Observed: 1 variant allele.
Comment: KATNAL2: BP4, BP7

Ambry Genetics
Classification: Likely benign. Last evaluated: 2016-05-31. Review status: criteria provided, single submitter. Criteria: Ambry Variant Classification Scheme 2023. Collection method: clinical testing. Allele origin: germline.